The following is an entry in ClinVar:

NM_001291415.2(KDM6A):c.1683+2T>G

Gene: KDM6A (lysine demethylase 6A; plus strand). Cytogenetic location: Xp11.3.
Variant type: single nucleotide variant.
Coding change: c.1683+2T>G on transcript NM_001291415.2 (MANE Select); the canonical splice donor site of the intron after coding-DNA position 1683, T replaced by G.
Molecular consequence: splice donor variant. On other transcripts: intron variant (6).
Genome position (GRCh38, 1-based): chrX:45,062,750, T>G. VCF-style: chrX-45062750-T-G. GRCh37 (hg19) VCF-style: chrX-44921995-T-G.
Other names: c.1683+2T>G (NM_001419809.1); c.1582-672T>G (NM_001419810.1, NM_001419813.1); c.1527+2T>G (NM_001419812.1, NM_021140.4); c.1426-672T>G (NM_001419814.1, NM_001410742.1); c.1548+2T>G (NM_001419811.1, NM_001291416.2); c.1392+2T>G (NM_001291417.2); c.1291-672T>G (NM_001419815.1, NM_001291418.2); c.639+2T>G (NM_001291421.2).
Identifiers: ClinVar variation 4056543 (VCV004056543.1).

ClinVar aggregate classification (germline): Uncertain significance (1 of 4 stars; one submission).

Conditions:
Kabuki syndrome 2 (KABUK2). Also called: KDM6A-Related Kabuki Syndrome. Identifiers: Orphanet 2322, MedGen C3275495, MONDO:0010465, OMIM 300867.

Submission:

Laboratorio de Genetica e Diagnostico Molecular, Hospital Israelita Albert Einstein
Classification: Uncertain significance for Kabuki syndrome 2. Last evaluated: 2024-09-13. Review status: criteria provided, single submitter. Criteria: ACMG Guidelines, 2015. Collection method: clinical testing. Allele origin: germline. Affected: yes.
Comment: ACMG classification criteria: PVS1 moderate, PM2 supporting